The following is an entry in ClinVar:

NM_000161.3(GCH1):c.206C>T (p.Pro69Leu)

Gene: GCH1 (GTP cyclohydrolase 1; minus strand). Cytogenetic location: 14q22.2.
Variant type: single nucleotide variant.
Coding change: c.206C>T on transcript NM_000161.3 (MANE Select); coding-DNA position 206, C replaced by T.
Protein change: p.Pro69Leu; replaces proline 69 with leucine.
Molecular consequence: missense variant.
Genome position (GRCh38, 1-based): chr14:54,902,458, G>A on the plus strand (C>T on the coding strand, the complement: GCH1 is on the minus strand). VCF-style: chr14-54902458-G-A. GRCh37 (hg19) VCF-style: chr14-55369176-G-A.
Other names: p.Pro69Leu; c.206C>T, p.Pro69Leu (NM_001024024.2, NM_001024070.2, NM_001024071.2); short protein forms P69L.
Identifiers: ClinVar variation 161247 (VCV000161247.58), dbSNP rs56127440, ClinGen allele CA211433.

ClinVar aggregate classification (germline): Conflicting classifications of pathogenicity. Review status: criteria provided, conflicting classifications (1 of 4 stars). 10 submissions from 9 submitters: Uncertain significance (4); Benign (1); Likely benign (3). 2 of the submissions do not count toward it. Last evaluated 2025-09-11.

Conditions:
GCH1-related disorder. Also called: GCH1-related condition.
GTP cyclohydrolase I deficiency. Identifiers: MedGen C0268467, MONDO:0100184.
Dystonia 5 (DRD). Also called: DYSTONIA, PROGRESSIVE, WITH DIURNAL VARIATION; DYSTONIA-PARKINSONISM WITH DIURNAL FLUCTUATION; GTP Cyclohydrolase 1-Deficient Dopa-Responsive Dystonia; Dystonia, DOPA-responsive, with or without hyperphenylalaninemia; DYT-GCH1. Identifiers: Orphanet 98808, MedGen C1851920, MONDO:0007495, OMIM 128230.
Hyperphenylalaninemia due to tetrahydrobiopterin deficiency. Also called: Tetrahydrobiopterin deficiency; BH4-Deficient Hyperphenylalaninemia. Identifiers: Orphanet 238583, MedGen C0751436, MONDO:0016543.

Allele frequency attached by ClinVar (database versions not stated): 1000 Genomes Project 30x 0.00031; gnomAD 0.00035; ExAC 0.00036; 1000 Genomes Project 0.00040; TOPMed 0.00040; gnomAD exomes 0.00044 and 0.00058; ESP Exome Variant Server 0.00046.
gnomAD v4.1: 908 of 1,612,686 alleles (0.056%); highest among the groups gnomAD compares: Non-Finnish European, 0.068%; 4 homozygotes.

Submissions (10):

Mayo Clinic Laboratories, Mayo Clinic
Classification: Uncertain significance. Last evaluated: 2025-09-11. Review status: criteria provided, single submitter. Criteria: ACMG Guidelines, 2015. Collection method: clinical testing. Allele origin: germline. Observed: 1 variant allele.
Comment: BS2, PP3_moderate

Labcorp Genetics (formerly Invitae), Labcorp
Classification: Uncertain significance for GTP cyclohydrolase I deficiency; Dystonia 5. Last evaluated: 2022-11-01. Review status: criteria provided, single submitter. Criteria: Invitae Variant Classification Sherloc (09022015). Collection method: clinical testing. Allele origin: germline.
Comment: This sequence change replaces proline, which is neutral and non-polar, with leucine, which is neutral and non-polar, at codon 69 of the GCH1 protein (p.Pro69Leu). This variant is present in population databases (rs56127440, gnomAD 0.2%). This missense change has been observed in individual(s) with dystonia, parkinsonism, and hereditary spastic paraplegia (PMID: 15389992, 19491146, 25125585, 25398234, 26230973, 27185167, 27217339, 30314816). ClinVar contains an entry for this variant (Variation ID: 161247). Advanced modeling of protein sequence and biophysical properties (such as structural, functional, and spatial information, amino acid conservation, physicochemical variation, residue mobility, and thermodynamic stability) performed at Invitae indicates that this missense variant is not expected to disrupt GCH1 protein function. In summary, the available evidence is currently insufficient to determine the role of this variant in disease. Therefore, it has been classified as a Variant of Uncertain Significance.

CeGaT Center for Human Genetics Tuebingen
Classification: Likely benign. Last evaluated: 2021-12-01. Review status: criteria provided, single submitter. Criteria: CeGaT Center For Human Genetics Tuebingen Variant Classification Criteria Version 2. Collection method: clinical testing. Allele origin: germline. Affected: yes. Observed: 4 variant alleles.

CENTOGENE GmbH and LLC - Guiding Precision Medicine
Classification: Uncertain significance for Dystonia 5. Last evaluated: 2019-09-12. Review status: criteria provided, single submitter. Criteria: ACMG Guidelines, 2015. Collection method: clinical testing. Allele origin: paternal. Affected: yes.

Mendelics
Classification: Benign for GTP cyclohydrolase I deficiency with hyperphenylalaninemia. Last evaluated: 2019-05-28. Review status: criteria provided, single submitter. Criteria: Mendelics Assertion Criteria 2017. Collection method: clinical testing. Allele origin: unknown.

Athena Diagnostics
Classification: Uncertain significance. Last evaluated: 2018-12-14. Review status: criteria provided, single submitter. Criteria: Athena Diagnostics Criteria. Collection method: clinical testing. Allele origin: germline.

Illumina Laboratory Services, Illumina
Classification: Likely benign for Dystonia 5. Last evaluated: 2017-04-27. Review status: criteria provided, single submitter. Criteria: ICSL Variant Classification Criteria 13 December 2019. Collection method: clinical testing. Allele origin: germline.
Comment: This variant was observed as part of a predisposition screen in an ostensibly healthy population. A literature search was performed for the gene, cDNA change, and amino acid change (where applicable). Publications were found based on this search. The evidence from the literature, in combination with allele frequency data from public databases where available, was sufficient to determine this variant is unlikely to cause disease. Therefore, this variant is classified as likely benign.

Illumina Laboratory Services, Illumina
Classification: Likely benign for GTP cyclohydrolase I deficiency with hyperphenylalaninemia. Last evaluated: 2017-04-27. Review status: criteria provided, single submitter. Criteria: ICSL Variant Classification Criteria 13 December 2019. Collection method: clinical testing. Allele origin: germline.
Comment: the same text as in the submission from Illumina Laboratory Services, Illumina above.

PreventionGenetics, part of Exact Sciences
Classification: Likely benign for GCH1-related condition. Last evaluated: 2024-01-22. Review status: no assertion criteria provided. Collection method: clinical testing. Allele origin: germline. Not counted in ClinVar's aggregate classification.
Comment: This variant is classified as likely benign based on ACMG/AMP sequence variant interpretation guidelines (Richards et al. 2015 PMID: 25741868, with internal and published modifications).

CSER _CC_NCGL, University of Washington
Classification: Likely benign for Tetrahydrobiopterin deficiency. Last evaluated: 2014-06-01. Review status: no assertion criteria provided. Collection method: research. Allele origin: germline. Inheritance: Autosomal dominant inheritance. Study: ESP 6500 variant annotation. Not counted in ClinVar's aggregate classification.
Comment: Variants classified for the Actionable exomic incidental findings in 6503 participants: challenges of variant classification manuscript

Literature cited by the submitters: PubMed 15389992 (cited by 4 submitters); PubMed 19491146 (cited by 4 submitters); PubMed 24993959 (cited by Mayo Clinic Laboratories, Mayo Clinic and Athena Diagnostics); PubMed 26230973 (cited by 3 submitters); PubMed 27185167 (cited by 3 submitters); PubMed 27217339 (cited by Mayo Clinic Laboratories, Mayo Clinic and Labcorp Genetics (formerly Invitae), Labcorp); PubMed 29594647 (cited by Mayo Clinic Laboratories, Mayo Clinic); PubMed 30314816 (cited by 3 submitters); PubMed 34890878 (cited by Mayo Clinic Laboratories, Mayo Clinic); PubMed 34999542 (cited by Mayo Clinic Laboratories, Mayo Clinic); PubMed 38397244 (cited by Mayo Clinic Laboratories, Mayo Clinic); PubMed 25125585 (cited by Labcorp Genetics (formerly Invitae), Labcorp and Athena Diagnostics); PubMed 25398234 (cited by Labcorp Genetics (formerly Invitae), Labcorp); PubMed 25497597 (cited by Athena Diagnostics).